The following is an entry in ClinVar:

ClinVar aggregate classification (germline): Uncertain significance. Review status: criteria provided, multiple submitters, no conflicts (2 of 4 stars). 2 submissions from 2 submitters: Uncertain significance (2). Last evaluated 2024-05-24.

Allele frequency attached by ClinVar (database versions not stated): gnomAD 0.00004.
gnomAD v4.1: 7 of 1,613,876 alleles (0.00043%); highest among the groups gnomAD compares: African/African-American, 0.0067%; no homozygotes.

Submissions (2):

GeneDx
Classification: Uncertain significance. Last evaluated: 2024-05-24. Review status: criteria provided, single submitter. Criteria: GeneDx Variant Classification Process June 2021. Collection method: clinical testing. Allele origin: germline. Affected: yes.
Comment: Not observed at significant frequency in large population cohorts (gnomAD); In silico analysis indicates that this missense variant does not alter protein structure/function; Occurs in the triple helical domain at the X position in the canonical Gly-X-Y repeat; although this variant may have an effect on normal protein folding and function, missense substitution at the X position is not a common mechanism of disease; Has not been previously published as pathogenic or benign to our knowledge

Women's Health and Genetics/Laboratory Corporation of America, LabCorp
Classification: Uncertain significance. Last evaluated: 2023-02-15. Review status: criteria provided, single submitter. Criteria: LabCorp Variant Classification Summary - May 2015. Collection method: clinical testing. Allele origin: germline.
Comment: Variant summary: COL4A4 c.1629G>C (p.Lys543Asn) results in a non-conservative amino acid change located in the 6th collagen triple helix repeat (IPR008160) of the encoded protein sequence. Four of five in-silico tools predict a benign effect of the variant on protein function. The variant was absent in 249492 control chromosomes. The available data on variant occurrences in the general population are insufficient to allow any conclusion about variant significance. To our knowledge, no occurrence of c.1629G>C in individuals affected with Alport Syndrome, Autosomal Recessive and no experimental evidence demonstrating its impact on protein function have been reported. No clinical diagnostic laboratories have submitted clinical-significance assessments for this variant to ClinVar after 2014. Based on the evidence outlined above, the variant was classified as uncertain significance.

NM_000092.5(COL4A4):c.1629G>C (p.Lys543Asn)

Gene: COL4A4 (collagen type IV alpha 4 chain; minus strand). Cytogenetic location: 2q36.3.
Variant type: single nucleotide variant.
Coding change: c.1629G>C on transcript NM_000092.5 (MANE Select); coding-DNA position 1629, G replaced by C.
Protein change: p.Lys543Asn; replaces lysine 543 with asparagine.
Molecular consequence: missense variant.
Genome position (GRCh38, 1-based): chr2:227,082,182, C>G on the plus strand (G>C on the coding strand, the complement: COL4A4 is on the minus strand). VCF-style: chr2-227082182-C-G. GRCh37 (hg19) VCF-style: chr2-227946898-C-G.
Other names: short protein forms K543N.
Identifiers: ClinVar variation 2445849 (VCV002445849.2), dbSNP rs768676046, ClinGen allele CA66544948.